The following is an entry in ClinVar:

ClinVar aggregate classification (germline): Uncertain significance (1 of 4 stars; one submission).

Allele frequency attached by ClinVar (database versions not stated): gnomAD exomes below 0.00001 and 0.00001; ExAC 0.00001; gnomAD 0.00001; TOPMed 0.00001.
gnomAD v4.1: 4 of 1,613,512 alleles (0.00025%); highest among the groups gnomAD compares: East Asian, 0.0022%; no homozygotes.

Submission:

Labcorp Genetics (formerly Invitae), Labcorp
Classification: Uncertain significance. Last evaluated: 2021-08-14. Review status: criteria provided, single submitter. Criteria: Invitae Variant Classification Sherloc (09022015). Collection method: clinical testing. Allele origin: germline.
Comment: This sequence change replaces methionine with valine at codon 720 of the ABCA4 protein (p.Met720Val). The methionine residue is highly conserved and there is a small physicochemical difference between methionine and valine. This variant is present in population databases (rs762593392, ExAC 0.01%). This variant has not been reported in the literature in individuals affected with ABCA4-related conditions. Algorithms developed to predict the effect of missense changes on protein structure and function output the following: SIFT: "Tolerated"; PolyPhen-2: "Benign"; Align-GVGD: "Class C0". The valine amino acid residue is found in multiple mammalian species, which suggests that this missense change does not adversely affect protein function. In summary, the available evidence is currently insufficient to determine the role of this variant in disease. Therefore, it has been classified as a Variant of Uncertain Significance.

NM_000350.3(ABCA4):c.2158A>G (p.Met720Val)

Gene: ABCA4 (ATP binding cassette subfamily A member 4; minus strand). Cytogenetic location: 1p22.1.
Variant type: single nucleotide variant.
Coding change: c.2158A>G on transcript NM_000350.3 (MANE Select); coding-DNA position 2158, A replaced by G.
Protein change: p.Met720Val; replaces methionine 720 with valine.
Molecular consequence: missense variant.
Genome position (GRCh38, 1-based): chr1:94,060,539, T>C on the plus strand (A>G on the coding strand, the complement: ABCA4 is on the minus strand). VCF-style: chr1-94060539-T-C. GRCh37 (hg19) VCF-style: chr1-94526095-T-C.
Other names: c.2158A>G, p.Met720Val (NM_001425324.1); short protein forms M720V.
Identifiers: ClinVar variation 1406116 (VCV001406116.5), dbSNP rs762593392, ClinGen allele CA958343.